The following is an entry in ClinVar:

ClinVar aggregate classification (germline): Uncertain significance (1 of 4 stars; one submission).

Submission:

Labcorp Genetics (formerly Invitae), Labcorp
Classification: Uncertain significance. Last evaluated: 2023-08-04. Review status: criteria provided, single submitter. Criteria: Invitae Variant Classification Sherloc (09022015). Collection method: clinical testing. Allele origin: germline.
Comment: An algorithm developed to predict the effect of missense changes on protein structure and function (PolyPhen-2) suggests that this variant is likely to be tolerated. ClinVar contains an entry for this variant (Variation ID: 1502189). This variant has not been reported in the literature in individuals affected with EIF2AK3-related conditions. This variant is not present in population databases (gnomAD no frequency). This sequence change replaces glutamine, which is neutral and polar, with glutamic acid, which is acidic and polar, at codon 762 of the EIF2AK3 protein (p.Gln762Glu). In summary, the available evidence is currently insufficient to determine the role of this variant in disease. Therefore, it has been classified as a Variant of Uncertain Significance.

NM_004836.7(EIF2AK3):c.2284C>G (p.Gln762Glu)

Genes: EIF2AK3 (eukaryotic translation initiation factor 2 alpha kinase 3; minus strand), EIF2AK3-AS1 (EIF2AK3 antisense RNA 1; plus strand). Cytogenetic location: 2p11.2.
Variant type: single nucleotide variant.
Coding change: c.2284C>G on transcript NM_004836.7 (MANE Select); coding-DNA position 2284, C replaced by G.
Protein change: p.Gln762Glu; replaces glutamine 762 with glutamic acid.
Molecular consequence: missense variant. On other transcripts: non-coding transcript variant (1).
Genome position (GRCh38, 1-based): chr2:88,575,199, G>C on the plus strand (C>G on the coding strand, the complement: EIF2AK3 is on the minus strand). VCF-style: chr2-88575199-G-C. GRCh37 (hg19) VCF-style: chr2-88874717-G-C.
Other names: c.1831C>G, p.Gln611Glu (NM_001313915.2); short protein forms Q762E, Q611E.
Identifiers: ClinVar variation 1502189 (VCV001502189.8), dbSNP rs2104411621, ClinGen allele CA347592070.
Genomic context (GRCh38, chr2:88,575,199, plus strand): 5'-CCTCATCATTGCCATCCATAGTCCCATCTTCCACATCACAGTCTGTAAGGCAACTGTCCT[G>C]GAGGTTGTATGCTGCATCCACTGACTCACTGATGTCCTCATGGTCCATTCCTGAGAATTC-3'
Protein context (NP_004827.4, residues 752-772): SESVDAAYNL[Gln762Glu]DSCLTDCDVE